The following is an entry in ClinVar:

NM_000057.4(BLM):c.4138A>G (p.Ser1380Gly)

Gene: BLM (BLM RecQ like helicase; plus strand). Cytogenetic location: 15q26.1.
Variant type: single nucleotide variant.
Coding change: c.4138A>G on transcript NM_000057.4 (MANE Select); coding-DNA position 4138, A replaced by G.
Protein change: p.Ser1380Gly; replaces serine 1380 with glycine.
Molecular consequence: missense variant.
Genome position (GRCh38, 1-based): chr15:90,815,163, A>G. VCF-style: chr15-90815163-A-G. GRCh37 (hg19) VCF-style: chr15-91358393-A-G.
Other names: c.4138A>G, p.Ser1380Gly (NM_001287246.2); c.3745A>G, p.Ser1249Gly (NM_001287247.2); c.3013A>G, p.Ser1005Gly (NM_001287248.2); short protein forms S1005G, S1249G, S1380G.
Identifiers: ClinVar variation 2062850 (VCV002062850.3), dbSNP rs377153391, ClinGen allele CA7739204.

ClinVar aggregate classification (germline): Uncertain significance (1 of 4 stars; one submission).

Conditions:
Bloom syndrome (BLM). Also called: Bloom-Torre-Machacek syndrome. Identifiers: Orphanet 125, MedGen C0005859, MONDO:0008876, OMIM 210900.

Allele frequency attached by ClinVar (database versions not stated): TOPMed below 0.00001; ExAC 0.00001; gnomAD 0.00001; ESP Exome Variant Server 0.00008.
gnomAD v4.1: 1 of 1,614,092 alleles (0.000062%); highest among the groups gnomAD compares: Non-Finnish European, 0.000085%; no homozygotes.

Submission:

Labcorp Genetics (formerly Invitae), Labcorp
Classification: Uncertain significance for Bloom syndrome. Last evaluated: 2025-04-28. Review status: criteria provided, single submitter. Criteria: Invitae Variant Classification Sherloc (09022015). Collection method: clinical testing. Allele origin: germline.
Comment: This sequence change replaces serine, which is neutral and polar, with glycine, which is neutral and non-polar, at codon 1380 of the BLM protein (p.Ser1380Gly). This variant is present in population databases (rs377153391, gnomAD 0.0009%). This variant has not been reported in the literature in individuals affected with BLM-related conditions. ClinVar contains an entry for this variant (Variation ID: 2062850). Invitae Evidence Modeling of protein sequence and biophysical properties (such as structural, functional, and spatial information, amino acid conservation, physicochemical variation, residue mobility, and thermodynamic stability) indicates that this missense variant is not expected to disrupt BLM protein function with a negative predictive value of 80%. In summary, the available evidence is currently insufficient to determine the role of this variant in disease. Therefore, it has been classified as a Variant of Uncertain Significance.